The following is an entry in ClinVar:

NM_000355.4(TCN2):c.754-1G>T

Gene: TCN2 (transcobalamin 2; plus strand). Cytogenetic location: 22q12.2.
Variant type: single nucleotide variant.
Coding change: c.754-1G>T on transcript NM_000355.4 (MANE Select); the canonical splice acceptor site of the intron before coding-DNA position 754, G replaced by T.
Molecular consequence: splice acceptor variant.
Genome position (GRCh38, 1-based): chr22:30,615,600, G>T. VCF-style: chr22-30615600-G-T. GRCh37 (hg19) VCF-style: chr22-31011587-G-T.
Other names: c.673-1G>T (NM_001184726.2).
Identifiers: ClinVar variation 4812813 (VCV004812813.1).
Genomic context (GRCh38, chr22:30,615,600, plus strand): 5'-GGAACACCTAGCCCCTCCCTGCCGGCTGACTTCCTCTCTCTCTTCCTCACTCTATCACCA[G>T]TTCCTCATGACTTCCCCCATGCGTGGGGCAGAACTGGGAACAGCATGTCTCAAGGCGAGG-3'

ClinVar aggregate classification (germline): Likely pathogenic (1 of 4 stars; one submission).

Conditions:
Transcobalamin II deficiency (TCN2D). Also called: TC II DEFICIENCY; TCN2 DEFICIENCY; Transcolabamin II deficiency. Identifiers: Orphanet 859, MedGen C0342701, MONDO:0010149, OMIM 275350.

Submission:

Suma Genomics
Classification: Likely pathogenic for Transcobalamin II deficiency. Review status: criteria provided, single submitter. Criteria: ACMG Guidelines, 2015. Collection method: clinical testing. Allele origin: germline. Inheritance: Autosomal recessive inheritance. Affected: yes. Observed: 1 homozygote.
Comment: This variant is not observed in the gnomAD database. In-silico analysis tool SpliceAI predicts this variant in TCN2 to cause aberrant splicing. Biallelic loss-of-function variants in TCN2 are associated with Transcobalamin II deficiency (MIM# 275350). ACMG Classification: Likely pathogenic ACMG criteria met: PVS1: Null variant in a gene where loss of function is a known mechanism of disease PM2_Supporting: Extremely low frequency in gnomAD population databases